The following is an entry in ClinVar:

NM_000133.4(F9):c.423_424insAGGCCGGGCGCGGTGGCTCACGCCTGTAATCCCAGCACTTTGGGAGGCCGAGGCGGGTGGATCATGAGGTCNNNNNNNNNNAAAAAAAAAAAAAAAAAAAAAAGAATGGCAGATGC (p.Glu142fs)

Gene: F9 (coagulation factor IX; plus strand). Cytogenetic location: Xq27.1.
Variant type: Insertion.
Coding change: c.423_424insAGGCCGGGCGCGGTGGCTCACGCCTGTAATCCCAGCACTTTGGGAGGCCGAGGCGGGTGGATCATGAGGTCNNNNNNNNNNAAAAAAAAAAAAAAAAAAAAAAGAATGGCAGATGC on transcript NM_000133.4 (MANE Select); coding-DNA positions 423 to 424, AGGCCGGGCGCGGTGGCTCACGCCTGTAATCCCAGCACTTTGGGAGGCCGAGGCGGGTGGATCATGAGGTCNNNNNNNNNNAAAAAAAAAAAAAAAAAAAAAAGAATGGCAGATGC inserted.
Protein change: p.Glu142fs; shifts the reading frame from glutamic acid 142.
Molecular consequence: frameshift variant.
Genome position: GRCh38: chrX:139,548,394-139,548,395. GRCh37 (hg19): chrX:138,630,553-138,630,554.
Other names: c.309_310insAGGCCGGGCGCGGTGGCTCACGCCTGTAATCCCAGCACTTTGGGAGGCCGAGGCGGGTGGATCATGAGGTCNNNNNNNNNNAAAAAAAAAAAAAAAAAAAAAAGAATGGCAGATGC, p.Glu104fs (NM_001313913.2); short protein forms E142fs, E104fs.
Identifiers: ClinVar variation 2010000 (VCV002010000.4), dbSNP rs2520790212.

ClinVar aggregate classification (germline): Pathogenic (1 of 4 stars; one submission).

Conditions:
Hereditary factor IX deficiency disease (HEMB). Also called: F9 DEFICIENCY; FACTOR IX DEFICIENCY; PLASMA THROMBOPLASTIN COMPONENT DEFICIENCY; Christmas Disease; Hemophilia B. Identifiers: Orphanet 98879, MedGen C0008533, MeSH D002836, MONDO:0010604, OMIM 306900.
Thrombophilia, X-linked, due to factor 9 defect. Identifiers: MedGen C2749016, MONDO:0010432, OMIM 300807.

Submission:

Labcorp Genetics (formerly Invitae), Labcorp
Classification: Pathogenic for Thrombophilia, X-linked, due to factor 9 defect; Hereditary factor IX deficiency disease. Last evaluated: 2022-08-10. Review status: criteria provided, single submitter. Criteria: Invitae Variant Classification Sherloc (09022015). Collection method: clinical testing. Allele origin: germline.
Comment: For these reasons, this variant has been classified as Pathogenic. Retrotransposon insertions including LINE1 (L1), Alu, and SVA (SINE-VNTR-Alu) have been reported to be disease-causing through disruption of either a coding region or splice site (PMID: 19763152, 20307669, 22406018) and loss-of-function variants in F9 are known to be pathogenic (PMID: 20301668). Algorithms developed to predict the effect of sequence changes on RNA splicing suggest that this variant may disrupt the consensus splice site. This variant has not been reported in the literature in individuals affected with F9-related conditions. This variant is not present in population databases (gnomAD no frequency). This sequence change inserts a large fragment of DNA, likely a transposable element, in exon 5 of the F9 gene (c.423_424ins?), causing a frameshift at codon 142 (p.Glu142fs). The exact size and sequence of the insertion cannot be determined by the current assay. However, the insertion is expected to result in an absent or disrupted protein product.

Literature cited by the submitters: PubMed 19763152; PubMed 20307669; PubMed 22406018; PubMed 20301668.